The following is an entry in ClinVar:

ClinVar aggregate classification (germline): Uncertain significance (1 of 4 stars; one submission).

Submission:

Labcorp Genetics (formerly Invitae), Labcorp
Classification: Uncertain significance. Last evaluated: 2023-11-02. Review status: criteria provided, single submitter. Criteria: Invitae Variant Classification Sherloc (09022015). Collection method: clinical testing. Allele origin: germline.
Comment: This variant, c.210_212del, results in the deletion of 1 amino acid(s) of the ASXL1 protein (p.Leu70del), but otherwise preserves the integrity of the reading frame. This variant is present in population databases (no rsID available, gnomAD 0.006%). This variant has not been reported in the literature in individuals affected with ASXL1-related conditions. Experimental studies and prediction algorithms are not available or were not evaluated, and the functional significance of this variant is currently unknown. In summary, the available evidence is currently insufficient to determine the role of this variant in disease. Therefore, it has been classified as a Variant of Uncertain Significance.

NM_015338.6(ASXL1):c.207GTT[1] (p.Leu70del)

Gene: ASXL1 (ASXL transcriptional regulator 1; plus strand). Cytogenetic location: 20q11.21.
Variant type: Microsatellite.
Coding change: c.207GTT[1] on transcript NM_015338.6 (MANE Select); one copy of the 3-base unit GTT starting at c.207; the reference has two copies in a row; one copy, 3 bases deleted.
Protein change: p.Leu70del; deletes leucine 70.
Molecular consequence: inframe deletion.
Genome position (GRCh38, 1-based): chr20:32,369,081-32,369,083, GTT deleted; deleting any 3 consecutive bases within chr20:32,369,078-32,369,083 gives the same sequence; the position shown is the placement nearest the transcript's 3' end. VCF-style (leftmost placement, unchanged base first): chr20-32369077-GGTT-G. GRCh37 (hg19) VCF-style: chr20-30956880-GGTT-G.
Other names: c.207GTT[1], p.Leu70del (NM_001164603.1); c.177GTT[1], p.Leu60del (NM_001363734.1); short protein forms L60del, L70del.
Identifiers: ClinVar variation 2890774 (VCV002890774.3), dbSNP rs1429951863, ClinGen allele CA635261491.